The following is an entry in ClinVar:

NM_201384.3(PLEC):c.3585C>T (p.Thr1195=)

Gene: PLEC (plectin; minus strand). Cytogenetic location: 8q24.3.
Variant type: single nucleotide variant.
Coding change: c.3585C>T on transcript NM_201384.3 (MANE Select); coding-DNA position 3585, C replaced by T.
Protein change: p.Thr1195=; no amino-acid change (threonine 1195 retained).
Molecular consequence: synonymous variant.
Genome position (GRCh38, 1-based): chr8:143,927,581, G>A on the plus strand (C>T on the coding strand, the complement: PLEC is on the minus strand). VCF-style: chr8-143927581-G-A. GRCh37 (hg19) VCF-style: chr8-145001749-G-A.
Other names: c.3666C>T, p.Thr1222= (NM_000445.5); c.3543C>T, p.Thr1181= (NM_201378.4); c.3519C>T, p.Thr1173= (NM_201379.3); c.3996C>T, p.Thr1332= (NM_201380.4); c.3489C>T, p.Thr1163= (NM_201381.3); c.3585C>T, p.Thr1195= (NM_201382.4); c.3597C>T, p.Thr1199= (NM_201383.3).
Identifiers: ClinVar variation 510777 (VCV000510777.9), dbSNP rs782335843, ClinGen allele CA4927016.

ClinVar aggregate classification (germline): Likely benign. Review status: criteria provided, multiple submitters, no conflicts (2 of 4 stars). 3 submissions from 3 submitters: Likely benign (3). Last evaluated 2024-11-07.

Conditions:
Epidermolysis bullosa simplex, Ogna type (EBS5A). Also called: Pidermolysis bullosa simplex 5A, Ogna type; EPIDERMOLYSIS BULLOSA SIMPLEX 5A, OGNA TYPE. Identifiers: Orphanet 79401, MedGen C0432317, MONDO:0007555, OMIM 131950.
Epidermolysis bullosa simplex with nail dystrophy (EBS5D). Identifiers: MedGen C4225309, MONDO:0014661, OMIM 616487.
Epidermolysis bullosa simplex 5B, with muscular dystrophy (EBS5B). Also called: EPIDERMOLYSIS BULLOSA SIMPLEX AND LIMB-GIRDLE MUSCULAR DYSTROPHY; Epidermolysis bullosa simplex with muscular dystrophy. Identifiers: Orphanet 257, MedGen C2931072, MONDO:0009181, OMIM 226670.
Epidermolysis bullosa simplex 5C, with pyloric atresia (EBS5C). Also called: PLEC1-Related Epidermolysis Bullosa with Pyloric Atresia; Epidermolysis bullosa simplex with pyloric atresia; PLEC-Related Epidermolysis Bullosa with Pyloric Atresia. Identifiers: Orphanet 158684, MedGen C2677349, MONDO:0012807, OMIM 612138.
Autosomal recessive limb-girdle muscular dystrophy type 2Q (LGMDR17). Also called: MUSCULAR DYSTROPHY, LIMB-GIRDLE, AUTOSOMAL RECESSIVE 17. Identifiers: Orphanet 254361, MedGen C3150989, MONDO:0013390, OMIM 613723.

Allele frequency attached by ClinVar (database versions not stated): TOPMed 0.00002; gnomAD 0.00003; ExAC 0.00004; gnomAD exomes 0.00005 and 0.00010.
gnomAD v4.1: 154 of 1,589,792 alleles (0.0097%); highest among the groups gnomAD compares: Middle Eastern, 0.017%; no homozygotes.

Submissions (3):

Blueprint Genetics
Classification: Likely benign. Last evaluated: 2024-11-07. Review status: criteria provided, single submitter. Criteria: ACMG Guidelines, 2015. Collection method: clinical testing. Allele origin: germline.

Labcorp Genetics (formerly Invitae), Labcorp
Classification: Likely benign for Autosomal recessive limb-girdle muscular dystrophy type 2Q; Epidermolysis bullosa simplex, Ogna type; Epidermolysis bullosa simplex with nail dystrophy; Epidermolysis bullosa simplex 5C, with pyloric atresia; Epidermolysis bullosa simplex 5B, with muscular dystrophy. Last evaluated: 2024-10-22. Review status: criteria provided, single submitter. Criteria: Invitae Variant Classification Sherloc (09022015). Collection method: clinical testing. Allele origin: germline.

GeneDx
Classification: Likely benign. Last evaluated: 2017-07-18. Review status: criteria provided, single submitter. Criteria: GeneDx Variant Classification (06012015). Collection method: clinical testing. Allele origin: germline. Affected: yes.
Comment: This variant is considered likely benign or benign based on one or more of the following criteria: it is a conservative change, it occurs at a poorly conserved position in the protein, it is predicted to be benign by multiple in silico algorithms, and/or has population frequency not consistent with disease.